The following is an entry in ClinVar:

ClinVar aggregate classification (germline): Benign/Likely benign. Review status: criteria provided, multiple submitters, no conflicts (2 of 4 stars). 14 submissions from 14 submitters: Benign (7); Likely benign (3). 4 of the submissions do not count toward it. Last evaluated 2026-02-02.

Conditions:
Neuromuscular disease caused by qualitative or quantitative defects of dysferlin. Also called: Qualitative or quantitative defects of dysferlin; Dysferlinopathy. Identifiers: Orphanet 207073, MedGen C2931687, MONDO:0016145.
Autosomal recessive limb-girdle muscular dystrophy type 2B (LGMDR2). Also called: MUSCULAR DYSTROPHY, LIMB-GIRDLE, TYPE 3; Limb-Girdle Muscular Dystrophy Type 2B (LGMD2B); MUSCULAR DYSTROPHY, LIMB-GIRDLE, AUTOSOMAL RECESSIVE 2; Limb-girdle muscular dystrophy, type 2B. Identifiers: Orphanet 268, MedGen C1850889, MONDO:0009676, OMIM 253601.

Allele frequency attached by ClinVar (database versions not stated): TOPMed 0.02378; 1000 Genomes Project 0.02576; 1000 Genomes Project 30x 0.02577; gnomAD 0.02090 and 0.02232; ESP Exome Variant Server 0.02284.

Submissions (14):

Labcorp Genetics (formerly Invitae), Labcorp
Classification: Benign for Neuromuscular disease caused by qualitative or quantitative defects of dysferlin. Last evaluated: 2026-02-02. Review status: criteria provided, single submitter. Criteria: Invitae Variant Classification Sherloc (09022015). Collection method: clinical testing. Allele origin: germline.

Athena Diagnostics
Classification: Benign. Last evaluated: 2025-07-02. Review status: criteria provided, single submitter. Criteria: Athena Diagnostics Criteria. Collection method: clinical testing. Allele origin: unknown.
Comment: The frequency of this variant in the general population is higher than would generally be expected for pathogenic variants in this gene.

Mayo Clinic Laboratories, Mayo Clinic
Classification: Benign. Last evaluated: 2022-10-20. Review status: criteria provided, single submitter. Criteria: ACMG Guidelines, 2015. Collection method: clinical testing. Allele origin: germline. Observed: 28 variant alleles.

Women's Health and Genetics/Laboratory Corporation of America, LabCorp
Classification: Likely benign. Last evaluated: 2021-12-10. Review status: criteria provided, single submitter. Criteria: LabCorp Variant Classification Summary - May 2015. Collection method: clinical testing. Allele origin: germline.

Dubai Health Genomic Medicine Center, Dubai Health
Classification: Benign for Autosomal recessive limb-girdle muscular dystrophy type 2B. Last evaluated: 2019-12-12. Review status: criteria provided, single submitter. Criteria: ACMG Guidelines, 2015. Collection method: clinical testing. Allele origin: germline. Affected: yes.

Illumina Laboratory Services, Illumina
Classification: Likely benign for Qualitative or quantitative defects of dysferlin. Last evaluated: 2017-04-27. Review status: criteria provided, single submitter. Criteria: ICSL Variant Classification Criteria 13 December 2019. Collection method: clinical testing. Allele origin: germline.
Comment: This variant was observed as part of a predisposition screen in an ostensibly healthy population. A literature search was performed for the gene, cDNA change, and amino acid change (where applicable). No publications were found based on this search. Allele frequency data from public databases allowed determination this variant is unlikely to cause disease. Therefore, this variant is classified as likely benign.

GeneDx
Classification: Benign. Last evaluated: 2016-05-04. Review status: criteria provided, single submitter. Criteria: GeneDx Variant Classification (06012015). Collection method: clinical testing. Allele origin: germline. Affected: yes.
Comment: This variant is considered likely benign or benign based on one or more of the following criteria: it is a conservative change, it occurs at a poorly conserved position in the protein, it is predicted to be benign by multiple in silico algorithms, and/or has population frequency not consistent with disease.

Eurofins Ntd Llc (ga)
Classification: Benign. Last evaluated: 2012-10-11. Review status: criteria provided, single submitter. Criteria: EGL Classification Definitions 2015. Collection method: clinical testing. Allele origin: germline. Observed: 4 variant alleles, 4 heterozygotes.

Breakthrough Genomics
Classification: Likely benign. Review status: criteria provided, single submitter. Criteria: ACMG Guidelines, 2015. Collection method: not provided. Allele origin: germline. Inheritance: Autosomal recessive inheritance. Affected: yes.

PreventionGenetics, part of Exact Sciences
Classification: Benign. Review status: criteria provided, single submitter. Criteria: ACMG Guidelines, 2015. Collection method: clinical testing. Allele origin: germline.

Natera, Inc.
Classification: Benign for Limb-girdle muscular dystrophy type 2B. Last evaluated: 2020-09-16. Review status: no assertion criteria provided. Collection method: clinical testing. Allele origin: germline. Not counted in ClinVar's aggregate classification.

Genetic Services Laboratory, University of Chicago
Classification: Likely benign for AllHighlyPenetrant. Review status: no assertion criteria provided. Collection method: clinical testing. Allele origin: germline. Inheritance: Autosomal recessive inheritance. Not counted in ClinVar's aggregate classification.
Comment: Likely benign based on allele frequency in 1000 Genomes Project or ESP global frequency and its presence in a patient with a rare or unrelated disease phenotype. NOT Sanger confirmed.

Genome Diagnostics Laboratory, University Medical Center Utrecht
Classification: Benign. Review status: no assertion criteria provided. Collection method: clinical testing. Allele origin: germline. Affected: yes. Study: VKGL Data-share Consensus. Not counted in ClinVar's aggregate classification.

Laboratory of Diagnostic Genome Analysis, Leiden University Medical Center (LUMC)
Classification: Likely benign. Review status: no assertion criteria provided. Collection method: clinical testing. Allele origin: germline. Affected: yes. Study: VKGL Data-share Consensus. Not counted in ClinVar's aggregate classification.

NM_001130987.2(DYSF):c.661C>G (p.Leu221Val)

Gene: DYSF (dysferlin; plus strand). Cytogenetic location: 2p13.2.
Variant type: single nucleotide variant.
Coding change: c.661C>G on transcript NM_001130987.2 (MANE Select); coding-DNA position 661, C replaced by G.
Protein change: p.Leu221Val; replaces leucine 221 with valine.
Molecular consequence: missense variant.
Genome position (GRCh38, 1-based): chr2:71,513,823, C>G. VCF-style: chr2-71513823-C-G. GRCh37 (hg19) VCF-style: chr2-71740953-C-G.
Other names: c.568C>G, p.Leu190Val (NM_001130455.2, NM_001130983.2, NM_001130984.2 and 1 more transcripts); c.565C>G, p.Leu189Val (NM_001130976.2, NM_001130977.2, NM_001130978.2 and 1 more transcripts); c.658C>G, p.Leu220Val (NM_001130979.2, NM_001130980.2, NM_001130981.2); c.661C>G, p.Leu221Val (NM_001130982.2, NM_001130985.2); short protein forms L189V, L221V, L220V, L190V.
Identifiers: ClinVar variation 94343 (VCV000094343.29), dbSNP rs13407355, ClinGen allele CA147767.
Genomic context (GRCh38, chr2:71,513,823, plus strand): 5'-GAGGCGGAGCCATTCCTGGATCAAAGCGGAGGCCCGGGGGCTCCCACCACCCCAAGGAAA[C>G]TACCTTCACGTCCTCCGCCCCACTACCCCGGGATCAAAAGAAAGCGAAGTGCGCCTACAT-3'
Protein context (NP_001124459.1, residues 211-231): GPGAPTTPRK[Leu221Val]PSRPPPHYPG